The following is an entry in ClinVar:

ClinVar aggregate classification (germline): Uncertain significance (1 of 4 stars; one submission).

Submission:

GeneDx
Classification: Uncertain significance. Last evaluated: 2024-01-12. Review status: criteria provided, single submitter. Criteria: GeneDx Variant Classification Process June 2021. Collection method: clinical testing. Allele origin: germline. Affected: yes.
Comment: Not observed at significant frequency in large population cohorts (gnomAD); In silico analysis supports that this missense variant has a deleterious effect on protein structure/function; Has not been previously published as pathogenic or benign to our knowledge

NM_001379110.1(SLC9A6):c.1288C>G (p.His430Asp)

Gene: SLC9A6 (solute carrier family 9 member A6; plus strand). Cytogenetic location: Xq26.3.
Variant type: single nucleotide variant.
Coding change: c.1288C>G on transcript NM_001379110.1 (MANE Select); coding-DNA position 1288, C replaced by G.
Protein change: p.His430Asp; replaces histidine 430 with aspartic acid.
Molecular consequence: missense variant.
Genome position (GRCh38, 1-based): chrX:136,022,679, C>G. VCF-style: chrX-136022679-C-G. GRCh37 (hg19) VCF-style: chrX-135104838-C-G.
Other names: c.1444C>G, p.His482Asp (NM_001042537.2); c.1288C>G, p.His430Asp (NM_001177651.2, NM_001400909.1, NM_001400910.1 and 2 more transcripts); c.1192C>G, p.His398Asp (NM_001330652.2, NM_001400913.1); c.1348C>G, p.His450Asp (NM_006359.3); short protein forms H398D, H430D, H450D, H482D.
Identifiers: ClinVar variation 3367818 (VCV003367818.1).